The following is an entry in ClinVar:

NM_005271.5(GLUD1):c.646+3A>G

Gene: GLUD1 (glutamate dehydrogenase 1; minus strand). Cytogenetic location: 10q23.2.
Variant type: single nucleotide variant.
Coding change: c.646+3A>G on transcript NM_005271.5 (MANE Select); 3 bases into the intron after coding-DNA position 646, A replaced by G.
Molecular consequence: intron variant.
Genome position (GRCh38, 1-based): chr10:87,074,548, T>C on the plus strand (A>G on the coding strand, the complement: GLUD1 is on the minus strand). VCF-style: chr10-87074548-T-C. GRCh37 (hg19) VCF-style: chr10-88834305-T-C.
Other names: c.145+3A>G (NM_001318906.2, NM_001318904.2, NM_001318905.2 and 2 more transcripts); c.247+3A>G (NM_001318900.1).
Identifiers: ClinVar variation 1490186 (VCV001490186.6), dbSNP rs1846331910, ClinGen allele CA930852281.

ClinVar aggregate classification (germline): Uncertain significance (1 of 4 stars; one submission).

Conditions:
Hyperinsulinism-hyperammonemia syndrome (HHF6). Identifiers: Orphanet 35878, MedGen C1847555, MONDO:0011717, OMIM 606762.

Allele frequency attached by ClinVar (database versions not stated): gnomAD 0.00001.

Submission:

Labcorp Genetics (formerly Invitae), Labcorp
Classification: Uncertain significance for Hyperinsulinism-hyperammonemia syndrome. Last evaluated: 2022-07-19. Review status: criteria provided, single submitter. Criteria: Invitae Variant Classification Sherloc (09022015). Collection method: clinical testing. Allele origin: germline.
Comment: In summary, the available evidence is currently insufficient to determine the role of this variant in disease. Therefore, it has been classified as a Variant of Uncertain Significance. Variants that disrupt the consensus splice site are a relatively common cause of aberrant splicing (PMID: 17576681, 9536098). Algorithms developed to predict the effect of sequence changes on RNA splicing suggest that this variant may disrupt the consensus splice site. ClinVar contains an entry for this variant (Variation ID: 1490186). This variant has not been reported in the literature in individuals affected with GLUD1-related conditions. This variant is not present in population databases (gnomAD no frequency). This sequence change falls in intron 4 of the GLUD1 gene. It does not directly change the encoded amino acid sequence of the GLUD1 protein. It affects a nucleotide within the consensus splice site.

Literature cited by the submitters: PubMed 17576681; PubMed 9536098.